The following is an entry in ClinVar:

ClinVar aggregate classification (germline): Uncertain significance. Review status: criteria provided, multiple submitters, no conflicts (2 of 4 stars). 3 submissions from 3 submitters: Uncertain significance (3). Last evaluated 2025-08-25.

Conditions:
Inborn genetic diseases. Identifiers: MedGen C0950123, MeSH D030342.

Allele frequency attached by ClinVar (database versions not stated): ESP Exome Variant Server 0.00023; gnomAD exomes 0.00042; 1000 Genomes Project 30x 0.00016; 1000 Genomes Project 0.00020; gnomAD 0.00031; ExAC 0.00034; TOPMed 0.00028.
gnomAD v4.1: 658 of 1,613,676 alleles (0.041%); highest among the groups gnomAD compares: Non-Finnish European, 0.046%; no homozygotes.

Submissions (3):

Ambry Genetics
Classification: Uncertain significance for Inborn genetic diseases. Last evaluated: 2025-08-25. Review status: criteria provided, single submitter. Criteria: Ambry Variant Classification Scheme 2023. Collection method: clinical testing. Allele origin: germline.

Mayo Clinic Laboratories, Mayo Clinic
Classification: Uncertain significance. Last evaluated: 2025-07-10. Review status: criteria provided, single submitter. Criteria: ACMG Guidelines, 2015. Collection method: clinical testing. Allele origin: germline. Observed: 1 variant allele.
Comment: BP4

Labcorp Genetics (formerly Invitae), Labcorp
Classification: Uncertain significance. Last evaluated: 2024-11-11. Review status: criteria provided, single submitter. Criteria: Invitae Variant Classification Sherloc (09022015). Collection method: clinical testing. Allele origin: germline.
Comment: This sequence change replaces proline, which is neutral and non-polar, with leucine, which is neutral and non-polar, at codon 2257 of the DNAH9 protein (p.Pro2257Leu). This variant is present in population databases (rs141540643, gnomAD 0.1%). This missense change has been observed in individual(s) with clinical features of primary ciliary dyskinesia (internal data). ClinVar contains an entry for this variant (Variation ID: 2065941). Invitae Evidence Modeling of protein sequence and biophysical properties (such as structural, functional, and spatial information, amino acid conservation, physicochemical variation, residue mobility, and thermodynamic stability) indicates that this missense variant is not expected to disrupt DNAH9 protein function with a negative predictive value of 80%. In summary, the available evidence is currently insufficient to determine the role of this variant in disease. Therefore, it has been classified as a Variant of Uncertain Significance.

NM_001372.4(DNAH9):c.6770C>T (p.Pro2257Leu)

Gene: DNAH9 (dynein axonemal heavy chain 9; plus strand). Cytogenetic location: 17p12.
Variant type: single nucleotide variant.
Coding change: c.6770C>T on transcript NM_001372.4 (MANE Select); coding-DNA position 6770, C replaced by T.
Protein change: p.Pro2257Leu; replaces proline 2257 with leucine.
Molecular consequence: missense variant.
Genome position (GRCh38, 1-based): chr17:11,756,599, C>T. VCF-style: chr17-11756599-C-T. GRCh37 (hg19) VCF-style: chr17-11659916-C-T.
Other names: p.Pro2257Leu; short protein forms P2257L.
Identifiers: ClinVar variation 2065941 (VCV002065941.6), dbSNP rs141540643, ClinGen allele CA8396410.
Genomic context (GRCh38, chr17:11,756,599, plus strand): 5'-ACTGGCATGCCCTTCCCTGTTGTCTCCAGGTGCTGACATTGGCCAGCAATGAGAGGATTC[C>T]TCTGAACCCCACCATGAAGCTCCTCTTTGAGATCAGCCACCTGCGCACAGCCACTCCAGC-3'
Protein context (NP_001363.2, residues 2247-2267): VLTLASNERI[Pro2257Leu]LNPTMKLLFE